The following is an entry in ClinVar:

ClinVar aggregate classification (germline): Conflicting classifications of pathogenicity. Review status: criteria provided, conflicting classifications (1 of 4 stars). 5 submissions from 5 submitters: Uncertain significance (1); Likely benign (3). 1 of the submissions does not count toward it. Last evaluated 2025-07-23.

Conditions:
MEGF10-related disorder. Also called: MEGF10-related condition.
MEGF10-related myopathy (CMYO10A). Also called: Congenital myopathy 10A, severe variant. Identifiers: Orphanet 439212, MedGen C3280679, MONDO:0013731, OMIM 614399.

Allele frequency attached by ClinVar (database versions not stated): gnomAD 0.00008 and 0.00009; gnomAD exomes 0.00008 and 0.00007; TOPMed 0.00009; ESP Exome Variant Server 0.00015; ExAC 0.00005.
gnomAD v4.1: 118 of 1,614,000 alleles (0.0073%); highest among the groups gnomAD compares: Non-Finnish European, 0.0092%; no homozygotes.

Submissions (5):

Labcorp Genetics (formerly Invitae), Labcorp
Classification: Likely benign for MEGF10-related myopathy. Last evaluated: 2025-07-23. Review status: criteria provided, single submitter. Criteria: Invitae Variant Classification Sherloc (09022015). Collection method: clinical testing. Allele origin: germline.

Blueprint Genetics
Classification: Likely benign. Last evaluated: 2024-11-07. Review status: criteria provided, single submitter. Criteria: ACMG Guidelines, 2015. Collection method: clinical testing. Allele origin: germline.

CeGaT Center for Human Genetics Tuebingen
Classification: Likely benign. Last evaluated: 2023-02-01. Review status: criteria provided, single submitter. Criteria: CeGaT Center For Human Genetics Tuebingen Variant Classification Criteria Version 2. Collection method: clinical testing. Allele origin: germline. Affected: yes. Observed: 1 variant allele.
Comment: MEGF10: BP4, BP7

Illumina Laboratory Services, Illumina
Classification: Uncertain significance for MEGF10-related myopathy. Last evaluated: 2018-01-12. Review status: criteria provided, single submitter. Criteria: ICSL Variant Classification Criteria 13 December 2019. Collection method: clinical testing. Allele origin: germline.

PreventionGenetics, part of Exact Sciences
Classification: Likely benign for MEGF10-related condition. Last evaluated: 2020-06-29. Review status: no assertion criteria provided. Collection method: clinical testing. Allele origin: germline. Not counted in ClinVar's aggregate classification.
Comment: This variant is classified as likely benign based on ACMG/AMP sequence variant interpretation guidelines (Richards et al. 2015 PMID: 25741868, with internal and published modifications).

NM_001256545.2(MEGF10):c.2289C>T (p.Asn763=)

Gene: MEGF10 (multiple EGF like domains 10; plus strand). Cytogenetic location: 5q23.2.
Variant type: single nucleotide variant.
Coding change: c.2289C>T on transcript NM_001256545.2 (MANE Select); coding-DNA position 2289, C replaced by T.
Protein change: p.Asn763=; no amino-acid change (asparagine 763 retained).
Molecular consequence: synonymous variant.
Genome position (GRCh38, 1-based): chr5:127,440,794, C>T. VCF-style: chr5-127440794-C-T. GRCh37 (hg19) VCF-style: chr5-126776486-C-T.
Other names: c.2289C>T, p.Asn763= (NM_032446.3).
Identifiers: ClinVar variation 350661 (VCV000350661.41), dbSNP rs151316424, ClinGen allele CA3391894.
Genomic context (GRCh38, chr5:127,440,794, plus strand): 5'-CACAGGATGTCCTCTAGGGTTTTATGGAAAAGATTGTGCACTGATATGCCAATGTCAAAA[C>T]GGAGCTGACTGCGACCACATTTCTGGGCAGTGTACTTGCCGCACTGGATTCATGGGACGG-3'
Protein context (NP_001243474.1, residues 753-773): KDCALICQCQ[Asn763=]GADCDHISGQ